The following is an entry in ClinVar:

ClinVar aggregate classification (germline): Conflicting classifications of pathogenicity. Review status: criteria provided, conflicting classifications (1 of 4 stars). 4 submissions from 4 submitters: Uncertain significance (1); Likely benign (2). 1 of the submissions does not count toward it. Last evaluated 2025-12-19.

Conditions:
Orthostatic hypotension 1 (ORTHYP1). Also called: NORADRENALINE DEFICIENCY; NOREPINEPHRINE DEFICIENCY; Dopamine beta-hydroxylase deficiency; Orthostatic hypotension 1, due to DBH deficiency. Identifiers: Orphanet 230, MedGen C4746777, MONDO:0009123, OMIM 223360.
DBH-related disorder. Also called: DBH-related condition.

Allele frequency attached by ClinVar (database versions not stated): ExAC 0.00006; gnomAD 0.00007 and 0.00008; gnomAD exomes 0.00007 and 0.00008; TOPMed 0.00007; ESP Exome Variant Server 0.00008.
gnomAD v4.1: 126 of 1,614,070 alleles (0.0078%); highest among the groups gnomAD compares: Admixed American, 0.012%; no homozygotes.

Submissions (4):

Labcorp Genetics (formerly Invitae), Labcorp
Classification: Likely benign for Orthostatic hypotension 1. Last evaluated: 2025-12-19. Review status: criteria provided, single submitter. Criteria: Invitae Variant Classification Sherloc (09022015). Collection method: clinical testing. Allele origin: germline.

Blueprint Genetics
Classification: Likely benign. Last evaluated: 2024-09-11. Review status: criteria provided, single submitter. Criteria: ACMG Guidelines, 2015. Collection method: clinical testing. Allele origin: germline.

Illumina Laboratory Services, Illumina
Classification: Uncertain significance for Orthostatic hypotension 1. Last evaluated: 2018-01-12. Review status: criteria provided, single submitter. Criteria: ICSL Variant Classification Criteria 13 December 2019. Collection method: clinical testing. Allele origin: germline.

PreventionGenetics, part of Exact Sciences
Classification: Likely benign for DBH-related condition. Last evaluated: 2019-03-01. Review status: no assertion criteria provided. Collection method: clinical testing. Allele origin: germline. Not counted in ClinVar's aggregate classification.
Comment: This variant is classified as likely benign based on ACMG/AMP sequence variant interpretation guidelines (Richards et al. 2015 PMID: 25741868, with internal and published modifications).

NM_000787.4(DBH):c.624C>T (p.Pro208=)

Gene: DBH (dopamine beta-hydroxylase; plus strand). Cytogenetic location: 9q34.2.
Variant type: single nucleotide variant.
Coding change: c.624C>T on transcript NM_000787.4 (MANE Select); coding-DNA position 624, C replaced by T.
Protein change: p.Pro208=; no amino-acid change (proline 208 retained).
Molecular consequence: synonymous variant.
Genome position (GRCh38, 1-based): chr9:133,642,344, C>T. VCF-style: chr9-133642344-C-T. GRCh37 (hg19) VCF-style: chr9-136507466-C-T.
Identifiers: ClinVar variation 710801 (VCV000710801.15), dbSNP rs75942058, ClinGen allele CA5313142.